The following is an entry in ClinVar:

NM_000368.5(TSC1):c.*4437G>A

Gene: TSC1 (TSC complex subunit 1; minus strand). Cytogenetic location: 9q34.13.
Variant type: single nucleotide variant.
Coding change: c.*4437G>A on transcript NM_000368.5 (MANE Select); 4437 bases downstream of the stop codon, G replaced by A.
Molecular consequence: 3 prime UTR variant.
Genome position (GRCh38, 1-based): chr9:132,891,798, C>T on the plus strand (G>A on the coding strand, the complement: TSC1 is on the minus strand). VCF-style: chr9-132891798-C-T. GRCh37 (hg19) VCF-style: chr9-135767185-C-T.
Other names: c.*4437G>A (NM_001162426.2, NM_001162427.2, NM_001362177.2).
Identifiers: ClinVar variation 365392 (VCV000365392.6), dbSNP rs11553763, ClinGen allele CA10632934.
Genomic context (GRCh38, chr9:132,891,798, plus strand): 5'-CATAGAAGTCTTCTGAAAAGTGATTACTGATTCTTCCTAGTGCAAAATGCGTGGCTGCCT[C>T]TTTCATAAGCCAAAGTACTTGCTACACAGAGCAGCACCATACCCTCCTGTCCAAACACTG-3'

ClinVar aggregate classification (germline): Benign. Review status: criteria provided, multiple submitters, no conflicts (2 of 4 stars). 3 submissions from 2 submitters: Benign (3). Last evaluated 2018-01-12.

Conditions:
Isolated focal cortical dysplasia type II (FCORD2). Also called: CORTICAL DYSPLASIA OF TAYLOR; Focal cortical dysplasia type II. Identifiers: Orphanet 268994, MedGen C1846385, MONDO:0011818, OMIM 607341, HP:0032051.
Tuberous sclerosis 1 (TSC1). Identifiers: Orphanet 805, MedGen C1854465, MONDO:0008612, OMIM 191100.

Allele frequency attached by ClinVar (database versions not stated): gnomAD exomes 0.08219; 1000 Genomes Project 0.10343; 1000 Genomes Project 30x 0.10775; gnomAD 0.11553 and 0.11942; TOPMed 0.13043.

Submissions (3):

Illumina Laboratory Services, Illumina
Classification: Benign for Tuberous sclerosis 1. Last evaluated: 2018-01-12. Review status: criteria provided, single submitter. Criteria: ICSL Variant Classification Criteria 13 December 2019. Collection method: clinical testing. Allele origin: germline.
Comment: This variant was observed in the ICSL laboratory as part of a predisposition screen in an ostensibly healthy population. It had not been previously curated by ICSL or reported in the Human Gene Mutation Database (HGMD: prior to June 1st, 2018), and was therefore a candidate for classification through an automated scoring system. Utilizing variant allele frequency, disease prevalence and penetrance estimates, and inheritance mode, an automated score was calculated to assess if this variant is too frequent to cause the disease. Based on the score and internal cut-off values, a variant classified as benign is not then subjected to further curation. The score for this variant resulted in a classification of benign for this disease.

Illumina Laboratory Services, Illumina
Classification: Benign for Isolated focal cortical dysplasia type II. Last evaluated: 2018-01-12. Review status: criteria provided, single submitter. Criteria: ICSL Variant Classification Criteria 13 December 2019. Collection method: clinical testing. Allele origin: germline.
Comment: the same text as in the submission from Illumina Laboratory Services, Illumina above.

Breakthrough Genomics
Classification: Benign. Review status: criteria provided, single submitter. Criteria: ACMG Guidelines, 2015. Collection method: not provided. Allele origin: germline. Inheritance: Autosomal dominant inheritance. Affected: yes.